The following is an entry in ClinVar:

NM_015466.4(PTPN23):c.2276C>G (p.Pro759Arg)

Gene: PTPN23 (protein tyrosine phosphatase non-receptor type 23; plus strand). Cytogenetic location: 3p21.31.
Variant type: single nucleotide variant.
Coding change: c.2276C>G on transcript NM_015466.4 (MANE Select); coding-DNA position 2276, C replaced by G.
Protein change: p.Pro759Arg; replaces proline 759 with arginine.
Molecular consequence: missense variant.
Genome position (GRCh38, 1-based): chr3:47,410,074, C>G. VCF-style: chr3-47410074-C-G. GRCh37 (hg19) VCF-style: chr3-47451564-C-G.
Other names: c.1898C>G, p.Pro633Arg (NM_001304482.2); short protein forms P759R, P633R.
Identifiers: ClinVar variation 1517795 (VCV001517795.5), dbSNP rs140031403, ClinGen allele CA2365997.
Genomic context (GRCh38, chr3:47,410,074, plus strand): 5'-GAGACCCCCCTGAGGAGCTGCGCAGCCTCCCCCCTGACATGGTGGCTGGCCCACGACTGC[C>G]TGACACCTTCCTGGGAAGTGCCACCCCGCTCCACTTTCCTCCCAGCCCCTTCCCCAGCTC-3'
Protein context (NP_056281.1, residues 749-769): PPDMVAGPRL[Pro759Arg]DTFLGSATPL

ClinVar aggregate classification (germline): Uncertain significance (1 of 4 stars; one submission).

Allele frequency attached by ClinVar (database versions not stated): gnomAD 0.00001 and 0.00002; ExAC 0.00002; gnomAD exomes 0.00002; TOPMed 0.00004; ESP Exome Variant Server 0.00015.
gnomAD v4.1: 22 of 1,611,644 alleles (0.0014%); highest among the groups gnomAD compares: Non-Finnish European, 0.0019%; no homozygotes.

Submission:

Labcorp Genetics (formerly Invitae), Labcorp
Classification: Uncertain significance. Last evaluated: 2021-08-24. Review status: criteria provided, single submitter. Criteria: Invitae Variant Classification Sherloc (09022015). Collection method: clinical testing. Allele origin: germline.
Comment: This sequence change replaces proline with arginine at codon 759 of the PTPN23 protein (p.Pro759Arg). The proline residue is moderately conserved and there is a moderate physicochemical difference between proline and arginine. This variant is present in population databases (rs140031403, ExAC 0.003%). This variant has not been reported in the literature in individuals affected with PTPN23-related conditions. Algorithms developed to predict the effect of missense changes on protein structure and function are either unavailable or do not agree on the potential impact of this missense change (SIFT: "Tolerated"; PolyPhen-2: "Not Available"; Align-GVGD: "Class C0"). In summary, the available evidence is currently insufficient to determine the role of this variant in disease. Therefore, it has been classified as a Variant of Uncertain Significance.